The following is an entry in ClinVar:

NM_001458.5(FLNC):c.1102G>T (p.Val368Leu)

Gene: FLNC (filamin C; plus strand). Cytogenetic location: 7q32.1.
Variant type: single nucleotide variant.
Coding change: c.1102G>T on transcript NM_001458.5 (MANE Select); coding-DNA position 1102, G replaced by T.
Protein change: p.Val368Leu; replaces valine 368 with leucine.
Molecular consequence: missense variant.
Genome position (GRCh38, 1-based): chr7:128,838,321, G>T. VCF-style: chr7-128838321-G-T. GRCh37 (hg19) VCF-style: chr7-128478375-G-T.
Other names: c.1102G>T, p.Val368Leu (NM_001127487.2); short protein forms V368L.
Identifiers: ClinVar variation 3750400 (VCV003750400.2).

ClinVar aggregate classification (germline): Uncertain significance (1 of 4 stars; one submission).

Conditions:
Distal myopathy with posterior leg and anterior hand involvement. Also called: WILLIAMS DISTAL MYOPATHY. Identifiers: Orphanet 63273, MedGen C3279722, MONDO:0013550, OMIM 614065.
Hypertrophic cardiomyopathy 26. Also called: Cardiomyopathy, familial hypertrophic, 26. Identifiers: Orphanet 75249, MedGen C4310749, MONDO:0014883, OMIM 617047.
Myofibrillar myopathy 5. Also called: Filaminopathy (type); FILAMINOPATHY, AUTOSOMAL DOMINANT. Identifiers: Orphanet 171445, MedGen C1836050, MONDO:0012289, OMIM 609524.

Submission:

Labcorp Genetics (formerly Invitae), Labcorp
Classification: Uncertain significance for Distal myopathy with posterior leg and anterior hand involvement; Myofibrillar myopathy 5; Hypertrophic cardiomyopathy 26. Last evaluated: 2025-03-16. Review status: criteria provided, single submitter. Criteria: Invitae Variant Classification Sherloc (09022015). Collection method: clinical testing. Allele origin: germline.
Comment: This sequence change replaces valine, which is neutral and non-polar, with leucine, which is neutral and non-polar, at codon 368 of the FLNC protein (p.Val368Leu). This variant is not present in population databases (gnomAD no frequency). This missense change has been observed in individual(s) with hypertrophic cardiomyopathy (internal data). Invitae Evidence Modeling of protein sequence and biophysical properties (such as structural, functional, and spatial information, amino acid conservation, physicochemical variation, residue mobility, and thermodynamic stability) has been performed for this missense variant. However, the output from this modeling did not meet the statistical confidence thresholds required to predict the impact of this variant on FLNC protein function. In summary, the available evidence is currently insufficient to determine the role of this variant in disease. Therefore, it has been classified as a Variant of Uncertain Significance.